The following is an entry in ClinVar:

NM_001036.6(RYR3):c.8212G>A (p.Val2738Ile)

Gene: RYR3 (ryanodine receptor 3; plus strand). Cytogenetic location: 15q14.
Variant type: single nucleotide variant.
Coding change: c.8212G>A on transcript NM_001036.6 (MANE Select); coding-DNA position 8212, G replaced by A.
Protein change: p.Val2738Ile; replaces valine 2738 with isoleucine.
Molecular consequence: missense variant.
Genome position (GRCh38, 1-based): chr15:33,749,991, G>A. VCF-style: chr15-33749991-G-A. GRCh37 (hg19) VCF-style: chr15-34042192-G-A.
Other names: c.8212G>A, p.Val2738Ile (NM_001243996.4); short protein forms V2738I.
Identifiers: ClinVar variation 837378 (VCV000837378.9), dbSNP rs1488174946, ClinGen allele CA391584067.
Genomic context (GRCh38, chr15:33,749,991, plus strand): 5'-TTGCCTGCTTTCTTTCTTTTTGACTTGGCTCTTCTTGGTGGGACACAGGGAATGGTGGAG[G>A]TCGTGGCTGAGAACTATCACAATATCTGGGCCAAGAAGAAGAAGCTGGAGCTGGAGAGCA-3'
Protein context (NP_001027.3, residues 2728-2748): LSRELQGMVE[Val2738Ile]VAENYHNIWA

ClinVar aggregate classification (germline): Uncertain significance (1 of 4 stars; one submission).

Conditions:
Epileptic encephalopathy. Identifiers: MedGen C0543888, HP:0200134.

Allele frequency attached by ClinVar (database versions not stated): gnomAD 0.00001; gnomAD exomes 0.00001; TOPMed 0.00002.
gnomAD v4.1: 11 of 1,612,118 alleles (0.00068%); highest among the groups gnomAD compares: Non-Finnish European, 0.00093%; no homozygotes.

Submission:

Labcorp Genetics (formerly Invitae), Labcorp
Classification: Uncertain significance for Epileptic encephalopathy. Last evaluated: 2022-08-09. Review status: criteria provided, single submitter. Criteria: Invitae Variant Classification Sherloc (09022015). Collection method: clinical testing. Allele origin: germline.
Comment: ClinVar contains an entry for this variant (Variation ID: 837378). Algorithms developed to predict the effect of missense changes on protein structure and function (SIFT, PolyPhen-2, Align-GVGD) all suggest that this variant is likely to be tolerated. In summary, the available evidence is currently insufficient to determine the role of this variant in disease. Therefore, it has been classified as a Variant of Uncertain Significance. This sequence change replaces valine, which is neutral and non-polar, with isoleucine, which is neutral and non-polar, at codon 2738 of the RYR3 protein (p.Val2738Ile). This variant is present in population databases (no rsID available, gnomAD 0.01%). This variant has not been reported in the literature in individuals affected with RYR3-related conditions.